The following is an entry in ClinVar:

NM_024675.4(PALB2):c.29G>A (p.Ser10Asn)

Gene: PALB2 (partner and localizer of BRCA2; minus strand). Cytogenetic location: 16p12.2.
Variant type: single nucleotide variant.
Coding change: c.29G>A on transcript NM_024675.4 (MANE Select); coding-DNA position 29, G replaced by A.
Protein change: p.Ser10Asn; replaces serine 10 with asparagine.
Molecular consequence: missense variant. On other transcripts: 5 prime UTR variant (10).
Genome position (GRCh38, 1-based): chr16:23,641,129, C>T on the plus strand (G>A on the coding strand, the complement: PALB2 is on the minus strand). VCF-style: chr16-23641129-C-T. GRCh37 (hg19) VCF-style: chr16-23652450-C-T.
Other names: c.29G>A, p.Ser10Asn (NM_001407296.1, NM_001407297.1, NM_001407298.1 and 5 more transcripts); c.-1715G>A (NM_001407304.1, NM_001407310.1); c.-991G>A (NM_001407305.1, NM_001407307.1, NM_001407309.1 and 1 more transcripts); c.-840G>A (NM_001407306.1, NM_001407308.1); c.-124G>A (NM_001407312.1, NM_001407313.1); short protein forms S10N.
Identifiers: ClinVar variation 2453302 (VCV002453302.2), dbSNP rs876659643, ClinGen allele CA395141124.

ClinVar aggregate classification (germline): Uncertain significance (1 of 4 stars; one submission).

Conditions:
Hereditary cancer-predisposing syndrome. Also called: Neoplastic Syndromes, Hereditary; Tumor predisposition; Hereditary neoplastic syndrome; Hereditary Cancer Syndrome. Identifiers: Orphanet 140162, MedGen C0027672, MeSH D009386, MONDO:0015356.

gnomAD v4.1: 2 of 1,613,562 alleles (0.00012%); highest among the groups gnomAD compares: Non-Finnish European, 0.00017%; no homozygotes.

Submission:

Ambry Genetics
Classification: Uncertain significance for Hereditary cancer-predisposing syndrome. Last evaluated: 2023-01-17. Review status: criteria provided, single submitter. Criteria: Ambry Variant Classification Scheme 2023. Collection method: clinical testing. Allele origin: germline.
Comment: The p.S10N variant (also known as c.29G>A), located in coding exon 1 of the PALB2 gene, results from a G to A substitution at nucleotide position 29. The serine at codon 10 is replaced by asparagine, an amino acid with highly similar properties. This amino acid position is highly conserved in available vertebrate species. In addition, this alteration is predicted to be tolerated by in silico analysis. Since supporting evidence is limited at this time, the clinical significance of this alteration remains unclear.